The following is an entry in ClinVar:

NM_000400.4(ERCC2):c.784A>G (p.Asn262Asp)

Gene: ERCC2 (ERCC excision repair 2, TFIIH core complex helicase subunit; minus strand). Cytogenetic location: 19q13.32.
Variant type: single nucleotide variant.
Coding change: c.784A>G on transcript NM_000400.4 (MANE Select); coding-DNA position 784, A replaced by G.
Protein change: p.Asn262Asp; replaces asparagine 262 with aspartic acid.
Molecular consequence: missense variant.
Genome position (GRCh38, 1-based): chr19:45,364,266, T>C on the plus strand (A>G on the coding strand, the complement: ERCC2 is on the minus strand). VCF-style: chr19-45364266-T-C. GRCh37 (hg19) VCF-style: chr19-45867524-T-C.
Other names: c.712A>G, p.Asn238Asp (NM_001130867.2); short protein forms N238D, N262D.
Identifiers: ClinVar variation 1760877 (VCV001760877.2), dbSNP rs1281649633, ClinGen allele CA406374106.

ClinVar aggregate classification (germline): Uncertain significance (1 of 4 stars; one submission).

Conditions:
Inborn genetic diseases. Identifiers: MedGen C0950123, MeSH D030342.

Allele frequency attached by ClinVar (database versions not stated): gnomAD exomes below 0.00001.
gnomAD v4.1: 1 of 1,613,930 alleles (0.000062%); highest among the groups gnomAD compares: Admixed American, 0.0017%; no homozygotes.

Submission:

Ambry Genetics
Classification: Uncertain significance for Inborn genetic diseases. Last evaluated: 2021-08-11. Review status: criteria provided, single submitter. Criteria: Ambry Variant Classification Scheme 2023. Collection method: clinical testing. Allele origin: germline.
Comment: The p.N262D variant (also known as c.784A>G), located in coding exon 9 of the ERCC2 gene, results from an A to G substitution at nucleotide position 784. The asparagine at codon 262 is replaced by aspartic acid, an amino acid with highly similar properties. This amino acid position is conserved. In addition, the in silico prediction for this alteration is inconclusive. Since supporting evidence is limited at this time, the clinical significance of this alteration remains unclear.